The following is an entry in ClinVar:

ClinVar aggregate classification (germline): Uncertain significance. Review status: criteria provided, multiple submitters, no conflicts (2 of 4 stars). 4 submissions from 4 submitters: Uncertain significance (4). Last evaluated 2026-01-19.

Conditions:
Cardiomyopathy (CMYO). Also called: Cardiomyopathies. Identifiers: Orphanet 167848, MedGen C0878544, MONDO:0004994, HP:0001638. Inheritance: Various modes of inheritance.
Cardiovascular phenotype. Identifiers: MedGen CN230736.
Hypertrophic cardiomyopathy. Also called: HYPERTROPHIC MYOCARDIOPATHY. Identifiers: Orphanet 217569, MedGen C0007194, MeSH D002312, MONDO:0005045, HP:0001639.

Allele frequency attached by ClinVar (database versions not stated): TOPMed 0.00001; ESP Exome Variant Server 0.00008; gnomAD exomes below 0.00001.
gnomAD v4.1: 1 of 1,614,114 alleles (0.000062%); highest among the groups gnomAD compares: Non-Finnish European, 0.000085%; no homozygotes.

Submissions (4):

Labcorp Genetics (formerly Invitae), Labcorp
Classification: Uncertain significance for Hypertrophic cardiomyopathy. Last evaluated: 2026-01-19. Review status: criteria provided, single submitter. Criteria: Invitae Variant Classification Sherloc (09022015). Collection method: clinical testing. Allele origin: germline.
Comment: This sequence change replaces alanine, which is neutral and non-polar, with serine, which is neutral and polar, at codon 622 of the MYH7 protein (p.Ala622Ser). This variant is not present in population databases (gnomAD no frequency). This variant has not been reported in the literature in individuals affected with MYH7-related conditions. ClinVar contains an entry for this variant (Variation ID: 926834). Invitae Evidence Modeling of protein sequence and biophysical properties (such as structural, functional, and spatial information, amino acid conservation, physicochemical variation, residue mobility, and thermodynamic stability) indicates that this missense variant is not expected to disrupt MYH7 protein function with a negative predictive value of 95%. In summary, the available evidence is currently insufficient to determine the role of this variant in disease. Therefore, it has been classified as a Variant of Uncertain Significance.

Ambry Genetics
Classification: Uncertain significance for Cardiovascular phenotype. Last evaluated: 2025-11-21. Review status: criteria provided, single submitter. Criteria: Ambry Variant Classification Scheme 2023. Collection method: clinical testing. Allele origin: germline.
Comment: The p.A622S variant (also known as c.1864G>T), located in coding exon 14 of the MYH7 gene, results from a G to T substitution at nucleotide position 1864. The alanine at codon 622 is replaced by serine, an amino acid with similar properties. This amino acid position is well conserved in available vertebrate species. In addition, this alteration is predicted to be tolerated by in silico analysis. Based on the available evidence, the clinical significance of this variant remains unclear.

Color Diagnostics, LLC DBA Color Health
Classification: Uncertain significance for Cardiomyopathy. Last evaluated: 2025-06-18. Review status: criteria provided, single submitter. Criteria: ACMG Guidelines, 2015. Collection method: clinical testing. Allele origin: germline.
Comment: This missense variant replaces alanine with serine at codon 622 of the MYH7 protein. Computational prediction suggests that this variant may not impact protein structure and function. To our knowledge, functional studies have not been reported for this variant. This variant has not been reported in individuals affected with MYH7-related disorders in the literature. This variant has not been identified in the general population by the Genome Aggregation Database (gnomAD). The available evidence is insufficient to determine the role of this variant in disease conclusively. Therefore, this variant is classified as a Variant of Uncertain Significance.

All of Us Research Program, National Institutes of Health
Classification: Uncertain significance for Cardiomyopathy. Last evaluated: 2023-08-15. Review status: criteria provided, single submitter. Criteria: ACMG Guidelines, 2015. Collection method: clinical testing. Allele origin: germline. Inheritance: Autosomal dominant inheritance. Observed: 2 variant alleles, 2 heterozygotes.
Comment: This missense variant replaces alanine with serine at codon 622 of the MYH7 protein. Computational prediction suggests that this variant may not impact protein structure and function (internally defined REVEL score threshold <= 0.5, PMID: 27666373). To our knowledge, functional studies have not been reported for this variant. This variant has not been reported in individuals affected with MYH7-related disorders in the literature. This variant has not been identified in the general population by the Genome Aggregation Database (gnomAD). The available evidence is insufficient to determine the role of this variant in disease conclusively. Therefore, this variant is classified as a Variant of Uncertain Significance.

This study involves interpretation of variants in research participants for the purpose of population health screening. Participant phenotype was not available at the time of variant classification. Additional details can be found in publication PMID: 35346344, PMCID: PMC8962531

NM_000257.4(MYH7):c.1864G>T (p.Ala622Ser)

Gene: MYH7 (myosin heavy chain 7; minus strand). Cytogenetic location: 14q11.2.
Variant type: single nucleotide variant.
Coding change: c.1864G>T on transcript NM_000257.4 (MANE Select); coding-DNA position 1864, G replaced by T.
Protein change: p.Ala622Ser; replaces alanine 622 with serine.
Molecular consequence: missense variant.
Genome position (GRCh38, 1-based): chr14:23,427,609, C>A on the plus strand (G>T on the coding strand, the complement: MYH7 is on the minus strand). VCF-style: chr14-23427609-C-A. GRCh37 (hg19) VCF-style: chr14-23896818-C-A.
Other names: short protein forms A622S.
Identifiers: ClinVar variation 926834 (VCV000926834.9), dbSNP rs150153771, ClinGen allele CA257822081.